The following is an entry in ClinVar:

NM_001323289.2(CDKL5):c.2785C>T (p.Gln929Ter)

Gene: CDKL5 (cyclin dependent kinase like 5; plus strand). Cytogenetic location: Xp22.13.
Variant type: single nucleotide variant.
Coding change: c.2785C>T on transcript NM_001323289.2 (MANE Select); coding-DNA position 2785, C replaced by T.
Protein change: p.Gln929Ter; replaces glutamine 929 with a stop codon.
Molecular consequence: nonsense. On other transcripts: intron variant (2).
Genome position (GRCh38, 1-based): chrX:18,628,659, C>T. VCF-style: chrX-18628659-C-T. GRCh37 (hg19) VCF-style: chrX-18646779-C-T.
Other names: NM_001323289.2(CDKL5):c.2785C>T; p.Gln929Ter; c.2713+72C>T (NM_003159.3, NM_001037343.2); short protein forms Q929*.
Identifiers: ClinVar variation 648838 (VCV000648838.9), dbSNP rs1602300816, ClinGen allele CA412368963.
Genomic context (GRCh38, chrX:18,628,659, plus strand): 5'-CCTGGTTGGCATGTGTCCTCTGTGACCAGGAGTGCCACAGAGGGCCCTTCCTACTCTGAA[C>T]AGCTGGGTGCCAAAAGTGGGCCAAATGGGCACCCCTATAACAGAACAAATCGCTCACGAA-3'

ClinVar aggregate classification (germline): Pathogenic. Review status: reviewed by expert panel (3 of 4 stars). 3 submissions from 3 submitters: Pathogenic (1). 2 of the submissions do not count toward it. Last evaluated 2026-07-01.

Conditions:
Developmental and epileptic encephalopathy, 2 (DEE2). Also called: INFANTILE SPASM SYNDROME, X-LINKED 2; CDKL5 deficiency disorder. Identifiers: Orphanet 1934, Orphanet 3451, Orphanet 505652, MedGen C4750718, MONDO:0010396, OMIM 300672.
Angelman syndrome-like. Identifiers: MedGen CN128785.
CDKL5 disorder. Identifiers: MedGen CN296942, MONDO:0100039.

Submissions (3):

ClinGen Rett and Angelman-like Disorders Variant Curation Expert Panel
Classification: Pathogenic for CDKL5 disorder. Last evaluated: 2026-07-01. Review status: reviewed by expert panel. Criteria: ClinGen RettAS ACMG Specifications CDKL5 V6.0. Collection method: curation. Allele origin: germline. Inheritance: X-linked inheritance.
Comment: The p.Gln929Ter variant in CDKL5 is predicted to cause a premature stop codon that leads to a truncated or absent protein in a gene where loss-of-function is an established mechanism. There is significant evidence that loss of this region of the gene is pathogenic (PVS1). The p.Gln929Ter variant has been observed in 3 individuals with features of CDKL5 disorder (PMID 35934918, PMID 31440721, GeneDx internal database) (PS4_Moderate). The p.Gln929Ter variant in CDKL5 has been reported as a de novo occurrence (biological parentage confirmed) in an individual with CDKL5 disorder (GeneDx internal database) (PS2). The p.Gln929Ter variant in CDKL5 is absent from gnomAD v4 (PM2_Supporting). In summary, the p.Gln929Ter variant in CDKL5 is classified as pathogenic for CDKL5 disorder based on the ACMG/AMP criteria (PVS1, PS2, PS4_Moderate, PM2_Supporting). (CDKL5 Specifications v6.0.0; curation approved on 7/1/2026.)

Labcorp Genetics (formerly Invitae), Labcorp
Classification: Uncertain significance for Developmental and epileptic encephalopathy, 2; Angelman syndrome-like. Last evaluated: 2025-06-23. Review status: criteria provided, single submitter. Criteria: Invitae Variant Classification Sherloc (09022015). Collection method: clinical testing. Allele origin: germline. Not counted in ClinVar's aggregate classification.
Comment: This sequence change falls in intron 18 of the CDKL5 gene. It does not directly change the encoded amino acid sequence of the CDKL5 protein. This variant is not present in population databases (gnomAD no frequency). This variant has been observed in individual(s) with childhood epilepsy (PMID: 31440721). ClinVar contains an entry for this variant (Variation ID: 648838). Algorithms developed to predict the effect of sequence changes on RNA splicing suggest that this variant is not likely to affect RNA splicing. In summary, the available evidence is currently insufficient to determine the role of this variant in disease. Therefore, it has been classified as a Variant of Uncertain Significance.

GeneDx
Classification: Pathogenic. Last evaluated: 2024-01-18. Review status: criteria provided, single submitter. Criteria: GeneDx Variant Classification Process June 2021. Collection method: clinical testing. Allele origin: germline. Affected: yes. Not counted in ClinVar's aggregate classification.
Comment: Observed as heterozygous variant in a patient with epilepsy in published literature (PMID: 31440721); Nonsense variant predicted to result in protein truncation or nonsense mediated decay in a gene for which loss of function is a known mechanism of disease; Not observed at significant frequency in large population cohorts (gnomAD); Reported using an alternate transcript of the gene; This variant is associated with the following publications: (PMID: 35934918, 31440721)

Literature cited by the submitters: PubMed 31440721 (cited by Labcorp Genetics (formerly Invitae), Labcorp).